The following is an entry in ClinVar:

NM_001374828.1(ARID1B):c.2411G>C (p.Gly804Ala)

Gene: ARID1B (AT-rich interaction domain 1B; plus strand). Cytogenetic location: 6q25.3.
Variant type: single nucleotide variant.
Coding change: c.2411G>C on transcript NM_001374828.1 (MANE Select); coding-DNA position 2411, G replaced by C.
Protein change: p.Gly804Ala; replaces glycine 804 with alanine.
Molecular consequence: missense variant. On other transcripts: 5 prime UTR variant (2).
Genome position (GRCh38, 1-based): chr6:157,084,825, G>C. VCF-style: chr6-157084825-G-C. GRCh37 (hg19) VCF-style: chr6-157405959-G-C.
Other names: c.-89G>C (NM_001363725.2, NM_001438488.1); c.2450G>C, p.Gly817Ala (NM_001371656.1, NM_001374820.1); c.2411G>C, p.Gly804Ala (NM_001438482.1, NM_001438485.1, NM_001438487.1 and 1 more transcripts); c.2453G>C, p.Gly818Ala (NM_001438483.1, NM_001438486.1); short protein forms G804A, G817A, G818A.
Identifiers: ClinVar variation 4881155 (VCV004881155.2).

ClinVar aggregate classification (germline): Uncertain significance (1 of 4 stars; one submission).

gnomAD v4.1: 1 of 1,614,014 alleles (0.000062%); highest among the groups gnomAD compares: South Asian, 0.0011%; no homozygotes.

Submission:

Dasa
Classification: Uncertain significance. Last evaluated: 2024-11-25. Review status: criteria provided, single submitter. Criteria: DASA Assertion Criteria. Collection method: clinical testing. Allele origin: germline.
Comment: NM_001374828.1(ARID1B):c.2411G>C (p.Gly804Ala) is a missense variant that results in the substitution of glycine with alanine. This variant is rare in population databases. Computational prediction algorithms are consistent with a benign effect. The currently available literature and clinical evidence are not sufficient to establish a definitive association between this variant and the reported condition. Therefore, this variant is classified as a variant of uncertain significance.